The following is an entry in ClinVar:

ClinVar aggregate classification (germline): Pathogenic (0 of 4 stars; one submission).

Conditions:
Congenital heart disease (CHD). Identifiers: MedGen C0152021, MONDO:0005453. Disease mechanism: unknown.

Submission:

Cytogenetics- Mohapatra Lab, Banaras Hindu University
Classification: Pathogenic for Congenital heart disease. Last evaluated: 2015-07-02. Review status: no assertion criteria provided. Collection method: case-control. Allele origin: unknown. Affected: yes. Observed: 1 variant allele.
Comment: Ventricular septal defect

NM_001308093.3(GATA4):c.1266C>T (p.Ser422=)

Gene: GATA4 (GATA binding protein 4). Cytogenetic location: 8p23.1.
Variant type: single nucleotide variant.
Coding change: c.1266C>T on transcript NM_001308093.3 (MANE Select); coding-DNA position 1266, C replaced by T.
Protein change: p.Ser422=; no amino-acid change (serine 422 retained).
Molecular consequence: synonymous variant.
Genome position (GRCh38, 1-based): chr8:11,758,409, C>T. VCF-style: chr8-11758409-C-T. GRCh37 (hg19) VCF-style: chr8-11615918-C-T.
Other names: c.645C>T, p.Ser215= (NM_001308094.2, NM_001374273.1); c.519C>T, p.Ser173= (NM_001374274.1); c.1263C>T, p.Ser421= (NM_002052.5).
Identifiers: ClinVar variation 219232 (VCV000219232.2), dbSNP rs864321704, ClinGen allele CA347948.